The following is an entry in ClinVar:

ClinVar aggregate classification (germline): Conflicting classifications of pathogenicity. Review status: criteria provided, conflicting classifications (1 of 4 stars). 3 submissions from 3 submitters: Uncertain significance (2); Likely benign (1). Last evaluated 2024-11-18.

Conditions:
Hereditary breast ovarian cancer syndrome. Also called: Hereditary breast and ovarian cancer syndrome; Hereditary breast and ovarian cancer; Hereditary breast and ovarian cancer syndrome (HBOC); Breast and ovarian cancer; Hereditary breast and/or ovarian cancer syndrome; BRCA1- and BRCA2-Associated Hereditary Breast and Ovarian Cancer. Identifiers: Orphanet 145, MedGen C0677776, MeSH D061325, MONDO:0003582. Disease mechanism: loss of function.
Hereditary cancer-predisposing syndrome. Also called: Neoplastic Syndromes, Hereditary; Tumor predisposition; Hereditary neoplastic syndrome; Hereditary Cancer Syndrome. Identifiers: Orphanet 140162, MedGen C0027672, MeSH D009386, MONDO:0015356.

Submissions (3):

Labcorp Genetics (formerly Invitae), Labcorp
Classification: Uncertain significance for Hereditary breast ovarian cancer syndrome. Last evaluated: 2024-11-18. Review status: criteria provided, single submitter. Criteria: Invitae Variant Classification Sherloc (09022015). Collection method: clinical testing. Allele origin: germline.
Comment: This sequence change replaces methionine, which is neutral and non-polar, with threonine, which is neutral and polar, at codon 2122 of the BRCA2 protein (p.Met2122Thr). This variant is not present in population databases (gnomAD no frequency). This variant has not been reported in the literature in individuals affected with BRCA2-related conditions. ClinVar contains an entry for this variant (Variation ID: 826353). Invitae Evidence Modeling of protein sequence and biophysical properties (such as structural, functional, and spatial information, amino acid conservation, physicochemical variation, residue mobility, and thermodynamic stability) indicates that this missense variant is not expected to disrupt BRCA2 protein function with a negative predictive value of 95%. In summary, the available evidence is currently insufficient to determine the role of this variant in disease. Therefore, it has been classified as a Variant of Uncertain Significance.

University of Washington Department of Laboratory Medicine, University of Washington
Classification: Likely benign for Hereditary cancer-predisposing syndrome. Last evaluated: 2023-03-23. Review status: criteria provided, single submitter. Criteria: Dines et al. (Genet Med. 2020). Collection method: curation. Allele origin: germline.
Comment: Missense variant in a coldspot region where missense variants are very unlikely to be pathogenic (PMID:31911673).

BRCA2 exon 11 coldspot. Reclassification based on statistical prior probability.

Ambry Genetics
Classification: Uncertain significance for Hereditary cancer-predisposing syndrome. Last evaluated: 2018-09-21. Review status: criteria provided, single submitter. Criteria: Ambry Variant Classification Scheme 2023. Collection method: clinical testing. Allele origin: germline.
Comment: The p.M2122T variant (also known as c.6365T>C), located in coding exon 10 of the BRCA2 gene, results from a T to C substitution at nucleotide position 6365. The methionine at codon 2122 is replaced by threonine, an amino acid with similar properties. This amino acid position is poorly conserved in available vertebrate species. In addition, this alteration is predicted to be tolerated by in silico analysis. Since supporting evidence is limited at this time, the clinical significance of this alteration remains unclear.

NM_000059.4(BRCA2):c.6365T>C (p.Met2122Thr)

Gene: BRCA2 (BRCA2 DNA repair associated; plus strand). Cytogenetic location: 13q13.1.
Variant type: single nucleotide variant.
Coding change: c.6365T>C on transcript NM_000059.4 (MANE Select); coding-DNA position 6365, T replaced by C.
Protein change: p.Met2122Thr; replaces methionine 2122 with threonine.
Molecular consequence: missense variant.
Genome position (GRCh38, 1-based): chr13:32,340,720, T>C. VCF-style: chr13-32340720-T-C. GRCh37 (hg19) VCF-style: chr13-32914857-T-C.
Other names: short protein forms M2122T.
Identifiers: ClinVar variation 826353 (VCV000826353.13), dbSNP rs1566234419, ClinGen allele CA387789157.